The following is an entry in ClinVar:

NM_006017.3(PROM1):c.2490-1G>A

Gene: PROM1 (prominin 1; minus strand). Cytogenetic location: 4p15.32.
Variant type: single nucleotide variant.
Coding change: c.2490-1G>A on transcript NM_006017.3 (MANE Select); the canonical splice acceptor site of the intron before coding-DNA position 2490, G replaced by A.
Molecular consequence: splice acceptor variant. On other transcripts: intron variant (4).
Genome position (GRCh38, 1-based): chr4:15,979,905, C>T on the plus strand (G>A on the coding strand, the complement: PROM1 is on the minus strand). VCF-style: chr4-15979905-C-T. GRCh37 (hg19) VCF-style: chr4-15981528-C-T.
Other names: c.2463-1G>A (NM_001145848.2, NM_001145847.2, NM_001371406.1 and 1 more transcripts); c.2462+517G>A (NM_001145852.2, NM_001371408.1, NM_001371407.1); c.2489+517G>A (NM_001145850.2); c.2490-1G>A (NM_001145849.2).
Identifiers: ClinVar variation 3614755 (VCV003614755.2).
Genomic context (GRCh38, chr4:15,979,905, plus strand): 5'-CCCATCTAGGAATATAGTTTTTTTAAAAAGGCTTACTTTTTCATGGGTATAGTTTCAACA[C>T]TATAAAATACAAAAAAGGGAGATAAAATTAATTTTTTTAATTATTATGAAAGCTCAGCAA-3'

ClinVar aggregate classification (germline): Likely pathogenic (1 of 4 stars; one submission).

gnomAD v4.1: 14 of 1,388,056 alleles (0.001%); highest among the groups gnomAD compares: South Asian, 0.0014%; no homozygotes.

Submission:

Labcorp Genetics (formerly Invitae), Labcorp
Classification: Likely pathogenic. Last evaluated: 2024-12-15. Review status: criteria provided, single submitter. Criteria: Invitae Variant Classification Sherloc (09022015). Collection method: clinical testing. Allele origin: germline.
Comment: This sequence change affects an acceptor splice site in intron 23 of the PROM1 gene. It is expected to disrupt RNA splicing. Variants that disrupt the donor or acceptor splice site typically lead to a loss of protein function (PMID: 16199547), and loss-of-function variants in PROM1 are known to be pathogenic (PMID: 17605048, 19718270, 24154662, 25474345). This variant is present in population databases (no rsID available, gnomAD 0.004%). This variant has not been reported in the literature in individuals affected with PROM1-related conditions. Algorithms developed to predict the effect of sequence changes on RNA splicing suggest that this variant may disrupt the consensus splice site. In summary, the currently available evidence indicates that the variant is pathogenic, but additional data are needed to prove that conclusively. Therefore, this variant has been classified as Likely Pathogenic.

Literature cited by the submitters: PubMed 16199547; PubMed 17605048; PubMed 19718270; PubMed 24154662; PubMed 25474345.